The following is an entry in ClinVar:

NM_017644.3(KLHL24):c.20G>A (p.Arg7His)

Gene: KLHL24 (kelch like family member 24; plus strand). Cytogenetic location: 3q27.1.
Variant type: single nucleotide variant.
Coding change: c.20G>A on transcript NM_017644.3 (MANE Select); coding-DNA position 20, G replaced by A.
Protein change: p.Arg7His; replaces arginine 7 with histidine.
Molecular consequence: missense variant. On other transcripts: 5 prime UTR variant (2), non-coding transcript variant (2).
Genome position (GRCh38, 1-based): chr3:183,650,376, G>A. VCF-style: chr3-183650376-G-A. GRCh37 (hg19) VCF-style: chr3-183368164-G-A.
Other names: c.20G>A, p.Arg7His (NM_001349424.1, NM_001349425.1, NM_001349426.1 and 12 more transcripts); c.-947G>A (NM_001349428.1, NM_001349429.1); short protein forms R7H.
Identifiers: ClinVar variation 2613084 (VCV002613084.3), dbSNP rs148250970, ClinGen allele CA2721524.

ClinVar aggregate classification (germline): Uncertain significance. Review status: criteria provided, multiple submitters, no conflicts (2 of 4 stars). 2 submissions from 2 submitters: Uncertain significance (2). Last evaluated 2026-08-25.

Conditions:
Inborn genetic diseases. Identifiers: MedGen C0950123, MeSH D030342.
KLHL24-related disorder. Also called: KLHL24-related condition.

Allele frequency attached by ClinVar (database versions not stated): ExAC 0.00003; TOPMed 0.00003; gnomAD 0.00005; ESP Exome Variant Server 0.00008.
gnomAD v4.1: 35 of 1,612,926 alleles (0.0022%); highest among the groups gnomAD compares: African/African-American, 0.0053%; no homozygotes.

Submissions (2):

PreventionGenetics, part of Exact Sciences
Classification: Uncertain significance for KLHL24-related condition. Last evaluated: 2026-08-25. Review status: criteria provided, single submitter. Criteria: ACMG Guidelines, 2015. Collection method: clinical testing. Allele origin: germline.
Comment: The KLHL24 c.20G>A variant is predicted to result in the amino acid substitution p.Arg7His. To our knowledge, this variant has not been reported in the literature. This variant is reported in 0.0041% of alleles in individuals of African descent in gnomAD. At this time, the clinical significance of this variant is uncertain due to the absence of conclusive functional and genetic evidence.

Ambry Genetics
Classification: Uncertain significance for Inborn genetic diseases. Last evaluated: 2023-07-19. Review status: criteria provided, single submitter. Criteria: Ambry Variant Classification Scheme 2023. Collection method: clinical testing. Allele origin: germline.